The following is an entry in ClinVar:

NM_014271.4(IL1RAPL1):c.1370G>T (p.Gly457Val)

Gene: IL1RAPL1 (interleukin 1 receptor accessory protein like 1; plus strand). Cytogenetic location: Xp21.2.
Variant type: single nucleotide variant.
Coding change: c.1370G>T on transcript NM_014271.4 (MANE Select); coding-DNA position 1370, G replaced by T.
Protein change: p.Gly457Val; replaces glycine 457 with valine.
Molecular consequence: missense variant.
Genome position (GRCh38, 1-based): chrX:29,954,690, G>T. VCF-style: chrX-29954690-G-T. GRCh37 (hg19) VCF-style: chrX-29972807-G-T.
Other names: short protein forms G457V.
Identifiers: ClinVar variation 4680875 (VCV004680875.1).

ClinVar aggregate classification (germline): Uncertain significance (1 of 4 stars; one submission).

Submission:

GeneDx
Classification: Uncertain significance. Last evaluated: 2025-07-02. Review status: criteria provided, single submitter. Criteria: GeneDx Variant Classification Process June 2021. Collection method: clinical testing. Allele origin: germline. Affected: yes.
Comment: Not observed at significant frequency in large population cohorts (gnomAD); In silico analysis supports that this missense variant has a deleterious effect on protein structure/function; In silico analysis supports a deleterious effect on splicing; Has not been previously published as pathogenic or benign to our knowledge